The following is an entry in ClinVar:

NM_002827.4(PTPN1):c.456_460del (p.Tyr153fs)

Gene: PTPN1 (protein tyrosine phosphatase non-receptor type 1; plus strand). Cytogenetic location: 20q13.13.
Variant type: Deletion.
Coding change: c.456_460del on transcript NM_002827.4 (MANE Select); coding-DNA positions 456 to 460, 5 bases deleted (TTATA; older notation c.456_460delTTATA).
Protein change: p.Tyr153fs; shifts the reading frame from tyrosine 153.
Molecular consequence: frameshift variant.
Genome position (GRCh38, 1-based): chr20:50,574,618-50,574,622, TTATA deleted; deleting any 5 consecutive bases within chr20:50,574,615-50,574,622 gives the same sequence; the c. name uses the placement nearest the transcript's 3' end. VCF-style (leftmost placement, unchanged base first): chr20-50574614-CATATT-C. GRCh37 (hg19) VCF-style: chr20-49191151-CATATT-C.
Other names: c.237_241del, p.Tyr80fs (NM_001278618.2); short protein forms Y153fs, Y80fs.
Identifiers: ClinVar variation 4812120 (VCV004812120.1).

ClinVar aggregate classification (germline): Pathogenic (1 of 4 stars; one submission).

Submission:

Labcorp Genetics (formerly Invitae), Labcorp
Classification: Pathogenic. Last evaluated: 2025-10-02. Review status: criteria provided, single submitter. Criteria: Invitae Variant Classification Sherloc (09022015). Collection method: clinical testing. Allele origin: germline.
Comment: This sequence change creates a premature translational stop signal (p.Tyr153Serfs*27) in the PTPN1 gene. It is expected to result in an absent or disrupted protein product. Loss-of-function variants in PTPN1 are known to be pathogenic (PMID: 39986310). This variant is not present in population databases (gnomAD no frequency). This variant has not been reported in the literature in individuals affected with PTPN1-related conditions. For these reasons, this variant has been classified as Pathogenic.

Literature cited by the submitters: PubMed 39986310.